The following is an entry in ClinVar:

NM_000466.3(PEX1):c.2687G>T (p.Arg896Leu)

Gene: PEX1 (peroxisomal biogenesis factor 1; minus strand). Cytogenetic location: 7q21.2.
Variant type: single nucleotide variant.
Coding change: c.2687G>T on transcript NM_000466.3 (MANE Select); coding-DNA position 2687, G replaced by T.
Protein change: p.Arg896Leu; replaces arginine 896 with leucine.
Molecular consequence: missense variant.
Genome position (GRCh38, 1-based): chr7:92,499,735, C>A on the plus strand (G>T on the coding strand, the complement: PEX1 is on the minus strand). VCF-style: chr7-92499735-C-A. GRCh37 (hg19) VCF-style: chr7-92129049-C-A.
Other names: c.2516G>T, p.Arg839Leu (NM_001282677.2); c.2063G>T, p.Arg688Leu (NM_001282678.2); short protein forms R839L, R896L, R688L.
Identifiers: ClinVar variation 2096811 (VCV002096811.4), dbSNP rs748798206, ClinGen allele CA368173364.

ClinVar aggregate classification (germline): Uncertain significance (1 of 4 stars; one submission).

Conditions:
Zellweger spectrum disorders (ZS). Also called: Zellweger syndrome; Zellweger Spectrum Disorder; Zellweger Spectrum; Zellweger Spectrum Disorder (ZSD). Identifiers: Orphanet 912, MedGen C0043459, MONDO:0019609.

Submission:

Labcorp Genetics (formerly Invitae), Labcorp
Classification: Uncertain significance for Zellweger spectrum disorders. Last evaluated: 2022-10-04. Review status: criteria provided, single submitter. Criteria: Invitae Variant Classification Sherloc (09022015). Collection method: clinical testing. Allele origin: germline.
Comment: This sequence change replaces arginine, which is basic and polar, with leucine, which is neutral and non-polar, at codon 896 of the PEX1 protein (p.Arg896Leu). This variant is not present in population databases (gnomAD no frequency). This variant has not been reported in the literature in individuals affected with PEX1-related conditions. Advanced modeling of protein sequence and biophysical properties (such as structural, functional, and spatial information, amino acid conservation, physicochemical variation, residue mobility, and thermodynamic stability) performed at Invitae indicates that this missense variant is not expected to disrupt PEX1 protein function. In summary, the available evidence is currently insufficient to determine the role of this variant in disease. Therefore, it has been classified as a Variant of Uncertain Significance.